The following is an entry in ClinVar:

NM_001384732.1(CPLANE1):c.5738-6C>T

Gene: CPLANE1 (ciliogenesis and planar polarity effector complex subunit 1; minus strand). Cytogenetic location: 5p13.2.
Variant type: single nucleotide variant.
Coding change: c.5738-6C>T on transcript NM_001384732.1 (MANE Select); 6 bases into the intron before coding-DNA position 5738, C replaced by T.
Molecular consequence: intron variant.
Genome position (GRCh38, 1-based): chr5:37,179,449, G>A on the plus strand (C>T on the coding strand, the complement: CPLANE1 is on the minus strand). VCF-style: chr5-37179449-G-A. GRCh37 (hg19) VCF-style: chr5-37179551-G-A.
Other names: c.5738-6C>T (NM_023073.4).
Identifiers: ClinVar variation 196186 (VCV000196186.25), dbSNP rs148634159, ClinGen allele CA202188.

ClinVar aggregate classification (germline): Benign/Likely benign. Review status: criteria provided, multiple submitters, no conflicts (2 of 4 stars). 8 submissions from 8 submitters: Benign (2); Likely benign (4). 2 of the submissions do not count toward it. Last evaluated 2026-02-04.

Conditions:
Inborn genetic diseases. Identifiers: MedGen C0950123, MeSH D030342.
Joubert syndrome 17 (JBTS17). Identifiers: Orphanet 475, MedGen C3553264, MONDO:0013824, OMIM 614615.

Allele frequency attached by ClinVar (database versions not stated): gnomAD exomes 0.00049; ExAC 0.00059; gnomAD 0.00174 and 0.00186; TOPMed 0.00211; ESP Exome Variant Server 0.00223; 1000 Genomes Project 30x 0.00297; 1000 Genomes Project 0.00300.
gnomAD v4.1: 515 of 1,593,982 alleles (0.032%); highest among the groups gnomAD compares: African/African-American, 0.6%; 3 homozygotes.

Submissions (11):

Labcorp Genetics (formerly Invitae), Labcorp
Classification: Benign. Last evaluated: 2026-02-04. Review status: criteria provided, single submitter. Criteria: Invitae Variant Classification Sherloc (09022015). Collection method: clinical testing. Allele origin: germline.

Blueprint Genetics
Classification: Likely benign. Last evaluated: 2024-05-29. Review status: criteria provided, single submitter. Criteria: ACMG Guidelines, 2015. Collection method: clinical testing. Allele origin: germline.

Ambry Genetics
Classification: Likely benign for Inborn genetic diseases. Last evaluated: 2021-12-16. Review status: criteria provided, single submitter. Criteria: Ambry Variant Classification Scheme 2023. Collection method: clinical testing. Allele origin: germline.

GeneDx
Classification: Likely benign. Last evaluated: 2020-12-02. Review status: criteria provided, single submitter. Criteria: GeneDx Variant Classification Process June 2021. Collection method: clinical testing. Allele origin: germline. Affected: yes.

Illumina Laboratory Services, Illumina
Classification: Likely benign for Joubert syndrome 17. Last evaluated: 2018-01-12. Review status: criteria provided, single submitter. Criteria: ICSL Variant Classification Criteria 13 December 2019. Collection method: clinical testing. Allele origin: germline.
Comment: This variant was observed in the ICSL laboratory as part of a predisposition screen in an ostensibly healthy population. It had not been previously curated by ICSL or reported in the Human Gene Mutation Database (HGMD: prior to June 1st, 2018), and was therefore a candidate for classification through an automated scoring system. Utilizing variant allele frequency, disease prevalence and penetrance estimates, and inheritance mode, an automated score was calculated to assess if this variant is too frequent to cause the disease. Based on the score and internal cut-off values, a variant classified as likely benign is not then subjected to further curation. The score for this variant resulted in a classification of likely benign for this disease.

Eurofins Ntd Llc (ga)
Classification: Benign. Last evaluated: 2015-03-02. Review status: criteria provided, single submitter. Criteria: EGL Classification Definitions 2015. Collection method: clinical testing. Allele origin: germline. Observed: 2 variant alleles, 2 heterozygotes.

Clinical Genetics DNA and cytogenetics Diagnostics Lab, Erasmus MC, Erasmus Medical Center
Classification: Likely benign. Review status: no assertion criteria provided. Collection method: clinical testing. Allele origin: germline. Affected: yes. Study: VKGL Data-share Consensus. Not counted in ClinVar's aggregate classification.

Clinical Genetics, Academic Medical Center
Classification: Likely benign. Review status: no assertion criteria provided. Collection method: clinical testing. Allele origin: germline. Affected: yes. Study: VKGL Data-share Consensus. Not counted in ClinVar's aggregate classification.

Dr. Peter K. Rogan Lab, Western University
No classification provided (evidence only). Condition: Lung cancer. Review status: no classification provided. Collection method: in vitro. Allele origin: not applicable. Functional consequence: retained intron. Not counted in ClinVar's aggregate classification.

Dr. Peter K. Rogan Lab, Western University
No classification provided (evidence only). Condition: Familial cancer of breast. Review status: no classification provided. Collection method: in vitro. Allele origin: not applicable. Functional consequence: retained intron. Not counted in ClinVar's aggregate classification.

Dr. Peter K. Rogan Lab, Western University
No classification provided (evidence only). Condition: Malignant tumor of esophagus. Review status: no classification provided. Collection method: in vitro. Allele origin: not applicable. Functional consequence: retained intron. Not counted in ClinVar's aggregate classification.